The following is an entry in ClinVar:

ClinVar aggregate classification (germline): Uncertain significance (1 of 4 stars; one submission).

Allele frequency attached by ClinVar (database versions not stated): TOPMed below 0.00001; gnomAD exomes 0.00002.
gnomAD v4.1: 27 of 1,550,616 alleles (0.0017%); highest among the groups gnomAD compares: South Asian, 0.0036%; no homozygotes.

Submission:

GeneDx
Classification: Uncertain significance. Last evaluated: 2023-02-02. Review status: criteria provided, single submitter. Criteria: GeneDx Variant Classification Process June 2021. Collection method: clinical testing. Allele origin: germline. Affected: yes.
Comment: Not observed at significant frequency in large population cohorts (gnomAD); In silico analysis supports that this missense variant has a deleterious effect on protein structure/function; Has not been previously published as pathogenic or benign to our knowledge

NM_001292063.2(OTOG):c.8500C>T (p.Arg2834Cys)

Gene: OTOG (otogelin; plus strand). Cytogenetic location: 11p15.1.
Variant type: single nucleotide variant.
Coding change: c.8500C>T on transcript NM_001292063.2 (MANE Select); coding-DNA position 8500, C replaced by T.
Protein change: p.Arg2834Cys; replaces arginine 2834 with cysteine.
Molecular consequence: missense variant.
Genome position (GRCh38, 1-based): chr11:17,645,602, C>T. VCF-style: chr11-17645602-C-T. GRCh37 (hg19) VCF-style: chr11-17667149-C-T.
Other names: c.8536C>T, p.Arg2846Cys (NM_001277269.2); short protein forms R2834C, R2846C.
Identifiers: ClinVar variation 2574857 (VCV002574857.1), dbSNP rs1265044491, ClinGen allele CA379790976.
Genomic context (GRCh38, chr11:17,645,602, plus strand): 5'-CCTCATCCCCCTGTCCCCCCAGGTAAGGAGGATGGGCGCTCCTGCAAGAAGGTGACCATC[C>T]GCATGACCATCCGCAAGAATGAATGCAGGAGCAGCACCCCTGTGCGTGGTGCCCACAAGG-3'
Protein context (NP_001278992.1, residues 2824-2844): DGRSCKKVTI[Arg2834Cys]MTIRKNECRS